The following is an entry in ClinVar:

ClinVar aggregate classification (germline): Likely pathogenic (1 of 4 stars; one submission).

Submission:

Labcorp Genetics (formerly Invitae), Labcorp
Classification: Likely pathogenic. Last evaluated: 2021-02-17. Review status: criteria provided, single submitter. Criteria: Invitae Variant Classification Sherloc (09022015). Collection method: clinical testing. Allele origin: germline.
Comment: This sequence change affects an acceptor splice site in intron 24 of the SLC12A3 gene. It is expected to disrupt RNA splicing. Variants that disrupt the donor or acceptor splice site typically lead to a loss of protein function (PMID: 16199547), and loss-of-function variants in SLC12A3 are known to be pathogenic (PMID: 20848653, 22009145, 25841442). In summary, the currently available evidence indicates that the variant is pathogenic, but additional data are needed to prove that conclusively. Therefore, this variant has been classified as Likely Pathogenic. Algorithms developed to predict the effect of sequence changes on RNA splicing suggest that this variant may disrupt the consensus splice site, but this prediction has not been confirmed by published transcriptional studies. This variant has not been reported in the literature in individuals with SLC12A3-related conditions. This variant is not present in population databases (ExAC no frequency).

Literature cited by the submitters: PubMed 16199547; PubMed 20848653; PubMed 22009145; PubMed 25841442.

NM_001126108.2(SLC12A3):c.2857-1G>A

Gene: SLC12A3 (solute carrier family 12 member 3; plus strand). Cytogenetic location: 16q13.
Variant type: single nucleotide variant.
Coding change: c.2857-1G>A on transcript NM_001126108.2 (MANE Select); the canonical splice acceptor site of the intron before coding-DNA position 2857, G replaced by A.
Molecular consequence: splice acceptor variant.
Genome position (GRCh38, 1-based): chr16:56,904,394, G>A. VCF-style: chr16-56904394-G-A. GRCh37 (hg19) VCF-style: chr16-56938306-G-A.
Other names: c.2884-1G>A (NM_000339.3); c.2881-1G>A (NM_001126107.2); c.2854-1G>A (NM_001410896.1).
Identifiers: ClinVar variation 1350042 (VCV001350042.8), dbSNP rs2144772233, ClinGen allele CA396002162.